The following is an entry in ClinVar:

ClinVar aggregate classification (germline): Uncertain significance. Review status: criteria provided, multiple submitters, no conflicts (2 of 4 stars). 2 submissions from 2 submitters: Uncertain significance (2). Last evaluated 2026-06-16.

Conditions:
PCNT-related disorder. Also called: PCNT-related condition.

Allele frequency attached by ClinVar (database versions not stated): gnomAD exomes below 0.00001; ExAC 0.00001; gnomAD 0.00001; TOPMed 0.00002.
gnomAD v4.1: 10 of 1,613,838 alleles (0.00062%); highest among the groups gnomAD compares: African/African-American, 0.004%; no homozygotes.

Submissions (2):

PreventionGenetics, part of Exact Sciences
Classification: Uncertain significance for PCNT-related condition. Last evaluated: 2026-06-16. Review status: criteria provided, single submitter. Criteria: ACMG Guidelines, 2015. Collection method: clinical testing. Allele origin: germline.
Comment: The PCNT c.7342G>A variant is predicted to result in the amino acid substitution p.Asp2448Asn. To our knowledge, this variant has not been reported in the literature. This variant is reported in 0.0080% of alleles in individuals of African descent in gnomAD. At this time, the clinical significance of this variant is uncertain due to the absence of conclusive functional and genetic evidence.

Genetic Services Laboratory, University of Chicago
Classification: Uncertain significance. Last evaluated: 2015-10-01. Review status: criteria provided, single submitter. Criteria: ACMG Guidelines, 2015. Collection method: clinical testing. Allele origin: germline. Affected: no.

NM_006031.6(PCNT):c.7342G>A (p.Asp2448Asn)

Gene: PCNT (pericentrin; plus strand). Cytogenetic location: 21q22.3.
Variant type: single nucleotide variant.
Coding change: c.7342G>A on transcript NM_006031.6 (MANE Select); coding-DNA position 7342, G replaced by A.
Protein change: p.Asp2448Asn; replaces aspartic acid 2448 with asparagine.
Molecular consequence: missense variant.
Genome position (GRCh38, 1-based): chr21:46,427,643, G>A. VCF-style: chr21-46427643-G-A. GRCh37 (hg19) VCF-style: chr21-47847557-G-A.
Other names: c.6988G>A, p.Asp2330Asn (NM_001315529.2); short protein forms D2448N, D2330N.
Identifiers: ClinVar variation 436270 (VCV000436270.8), dbSNP rs748347210, ClinGen allele CA10080636.